The following is an entry in ClinVar:

NM_033026.6(PCLO):c.12856G>A (p.Gly4286Ser)

Gene: PCLO (piccolo presynaptic cytomatrix protein; minus strand). Cytogenetic location: 7q21.11.
Variant type: single nucleotide variant.
Coding change: c.12856G>A on transcript NM_033026.6 (MANE Select); coding-DNA position 12856, G replaced by A.
Protein change: p.Gly4286Ser; replaces glycine 4286 with serine.
Molecular consequence: missense variant.
Genome position (GRCh38, 1-based): chr7:82,915,130, C>T on the plus strand (G>A on the coding strand, the complement: PCLO is on the minus strand). VCF-style: chr7-82915130-C-T. GRCh37 (hg19) VCF-style: chr7-82544446-C-T.
Other names: c.12856G>A, p.Gly4286Ser (NM_014510.3); c.12856G>A (NM_033026.5); short protein forms G4286S.
Identifiers: ClinVar variation 1398566 (VCV001398566.4), dbSNP rs199945001, ClinGen allele CA4319293.

ClinVar aggregate classification (germline): Uncertain significance. Review status: criteria provided, multiple submitters, no conflicts (2 of 4 stars). 2 submissions from 2 submitters: Uncertain significance (2). Last evaluated 2023-05-05.

Conditions:
Inborn genetic diseases. Identifiers: MedGen C0950123, MeSH D030342.

Allele frequency attached by ClinVar (database versions not stated): gnomAD exomes 0.00002 and 0.00003; ExAC 0.00005; gnomAD 0.00032 and 0.00035; TOPMed 0.00033; ESP Exome Variant Server 0.00041.
gnomAD v4.1: 82 of 1,590,226 alleles (0.0052%); highest among the groups gnomAD compares: African/African-American, 0.099%; no homozygotes.

Submissions (2):

Ambry Genetics
Classification: Uncertain significance for Inborn genetic diseases. Last evaluated: 2023-05-05. Review status: criteria provided, single submitter. Criteria: Ambry Variant Classification Scheme 2023. Collection method: clinical testing. Allele origin: germline.

Labcorp Genetics (formerly Invitae), Labcorp
Classification: Uncertain significance. Last evaluated: 2022-07-05. Review status: criteria provided, single submitter. Criteria: Invitae Variant Classification Sherloc (09022015). Collection method: clinical testing. Allele origin: germline.
Comment: This sequence change replaces glycine, which is neutral and non-polar, with serine, which is neutral and polar, at codon 4286 of the PCLO protein (p.Gly4286Ser). This variant is present in population databases (rs199945001, gnomAD 0.09%). This variant has not been reported in the literature in individuals affected with PCLO-related conditions. ClinVar contains an entry for this variant (Variation ID: 1398566). Algorithms developed to predict the effect of missense changes on protein structure and function are either unavailable or do not agree on the potential impact of this missense change (SIFT: "Tolerated"; PolyPhen-2: "Not Available"; Align-GVGD: "Class C0"). In summary, the available evidence is currently insufficient to determine the role of this variant in disease. Therefore, it has been classified as a Variant of Uncertain Significance.